The following is an entry in ClinVar:

ClinVar aggregate classification (germline): Uncertain significance (1 of 4 stars; one submission).

gnomAD v4.1: 1 of 1,503,158 alleles (0.000067%); highest among the groups gnomAD compares: Non-Finnish European, 0.000088%; no homozygotes.

Submission:

Labcorp Genetics (formerly Invitae), Labcorp
Classification: Uncertain significance. Last evaluated: 2025-12-16. Review status: criteria provided, single submitter. Criteria: Invitae Variant Classification Sherloc (09022015). Collection method: clinical testing. Allele origin: germline.
Comment: This sequence change replaces leucine, which is neutral and non-polar, with phenylalanine, which is neutral and non-polar, at codon 243 of the ALPK3 protein (p.Leu243Phe). This variant is not present in population databases (gnomAD no frequency). This variant has not been reported in the literature in individuals affected with ALPK3-related conditions. An algorithm developed to predict the effect of missense changes on protein structure and function (PolyPhen-2) suggests that this variant is likely to be disruptive. In summary, the available evidence is currently insufficient to determine the role of this variant in disease. Therefore, it has been classified as a Variant of Uncertain Significance.

NM_020778.5(ALPK3):c.121C>T (p.Leu41Phe)

Gene: ALPK3 (alpha kinase 3; plus strand). Cytogenetic location: 15q25.3.
Variant type: single nucleotide variant.
Coding change: c.121C>T on transcript NM_020778.5 (MANE Select); coding-DNA position 121, C replaced by T.
Protein change: p.Leu41Phe; replaces leucine 41 with phenylalanine.
Molecular consequence: missense variant.
Genome position (GRCh38, 1-based): chr15:84,817,573, C>T. VCF-style: chr15-84817573-C-T. GRCh37 (hg19) VCF-style: chr15-85360804-C-T.
Other names: short protein forms L41F.
Identifiers: ClinVar variation 4732890 (VCV004732890.1).